The following is an entry in ClinVar:

NM_198239.2(CCN6):c.80T>A (p.Leu27Ter)

Gene: CCN6 (cellular communication network factor 6; plus strand). Cytogenetic location: 6q21.
Variant type: single nucleotide variant.
Coding change: c.80T>A on transcript NM_198239.2 (MANE Select); coding-DNA position 80, T replaced by A.
Protein change: p.Leu27Ter; replaces leucine 27 with a stop codon.
Molecular consequence: nonsense. On other transcripts: non-coding transcript variant (2).
Genome position (GRCh38, 1-based): chr6:112,061,022, T>A. VCF-style: chr6-112061022-T-A. GRCh37 (hg19) VCF-style: chr6-112382225-T-A.
Other names: c.80T>A, p.Leu27Ter (NM_003880.4); short protein forms L27*.
Identifiers: ClinVar variation 1687519 (VCV001687519.1), dbSNP rs2114444927, ClinGen allele CA365367968.

ClinVar aggregate classification (germline): Pathogenic (1 of 4 stars; one submission).

Conditions:
Progressive pseudorheumatoid dysplasia (PPRD). Also called: Progressive Pseudorheumatoid Arthropathy of Childhood; SPONDYLOEPIPHYSEAL DYSPLASIA TARDA WITH PROGRESSIVE ARTHROPATHY. Identifiers: Orphanet 1159, MedGen C0432215, MONDO:0008827, OMIM 208230. Disease mechanism: loss of function.

Submission:

3billion
Classification: Pathogenic for Progressive pseudorheumatoid dysplasia. Last evaluated: 2022-05-22. Review status: criteria provided, single submitter. Criteria: ACMG Guidelines, 2015. Collection method: clinical testing. Allele origin: germline. Affected: yes. Observed: 1 homozygote.
Comment: The variant is not observed in the gnomAD v2.1.1 dataset. Stop-gained (nonsense): predicted to result in a loss or disruption of normal protein function through nonsense-mediated decay (NMD) or protein truncation. Multiple pathogenic variants are reported downstream of the variant. Therefore, this variant is classified as pathogenic according to the recommendation of ACMG/AMP guideline.